The following is an entry in ClinVar:

NM_000141.5(FGFR2):c.1325C>T (p.Thr442Ile)

Gene: FGFR2 (fibroblast growth factor receptor 2; minus strand). Cytogenetic location: 10q26.13.
Variant type: single nucleotide variant.
Coding change: c.1325C>T on transcript NM_000141.5 (MANE Select); coding-DNA position 1325, C replaced by T.
Protein change: p.Thr442Ile; replaces threonine 442 with isoleucine.
Molecular consequence: missense variant. On other transcripts: non-coding transcript variant (1).
Genome position (GRCh38, 1-based): chr10:121,503,904, G>A on the plus strand (C>T on the coding strand, the complement: FGFR2 is on the minus strand). VCF-style: chr10-121503904-G-A. GRCh37 (hg19) VCF-style: chr10-123263418-G-A.
Other names: c.1328C>T, p.Thr443Ile (NM_001144913.1, NM_022970.4); c.989C>T, p.Thr330Ile (NM_001144914.1); c.1058C>T, p.Thr353Ile (NM_001144915.2, NM_023029.3); c.980C>T, p.Thr327Ile (NM_001144916.2); c.977C>T, p.Thr326Ile (NM_001144917.2); c.974C>T, p.Thr325Ile (NM_001144918.2); c.1061C>T, p.Thr354Ile (NM_001144919.2); c.641C>T, p.Thr214Ile (NM_001320654.2); and 1 more; short protein forms T214I, T326I, T354I, T327I, T330I, T353I, T440I, T443I.
Identifiers: ClinVar variation 3590886 (VCV003590886.2).

ClinVar aggregate classification (germline): Uncertain significance. Review status: criteria provided, multiple submitters, no conflicts (2 of 4 stars). 2 submissions from 2 submitters: Uncertain significance (2). Last evaluated 2025-05-13.

Conditions:
FGFR2-related craniosynostosis. Identifiers: MedGen CN231480.
Bent bone dysplasia syndrome 1 (BBDS1). Also called: FGFR2-related bent bone dysplasia. Identifiers: Orphanet 313855, MedGen C3281247, MONDO:0013815, OMIM 614592.
Beare-Stevenson cutis gyrata syndrome (BSTVS). Identifiers: Orphanet 1555, MedGen C1852406, MONDO:0007412, OMIM 123790.
Pfeiffer syndrome (ACS5). Also called: ACS V. Identifiers: Orphanet 710, MedGen C0220658, MONDO:0007043, OMIM 101600.
Gastric cancer. Also called: Stomach cancer; Malignant tumor of stomach. Identifiers: MedGen C0024623, MeSH D013274, MONDO:0001056, OMIM 613659, HP:0012126.
Familial scaphocephaly syndrome, McGillivray type. Also called: SCAPHOCEPHALY, MAXILLARY RETRUSION, AND IMPAIRED INTELLECTUAL DEVELOPMENT. Identifiers: Orphanet 168624, MedGen C1865070, MONDO:0012307, OMIM 609579.
Crouzon syndrome. Also called: CRANIOFACIAL DYSOSTOSIS, TYPE I; Craniofacial dysostosis; Craniofacial dysostosis type 1; Crouzon craniofacial dysostosis; Crouzon disease. Identifiers: Orphanet 207, MedGen C0010273, MeSH D003394, MONDO:0007405, OMIM 123500, HP:0004439.
LADD syndrome 1 (LADD1). Also called: Lacrimoauriculodentodigital syndrome 1. Identifiers: MedGen C5774323, MONDO:0100302, OMIM 149730.
Jackson-Weiss syndrome (JWS). Also called: CRANIOSYNOSTOSIS, MIDFACIAL HYPOPLASIA, AND FOOT ABNORMALITIES. Identifiers: Orphanet 1540, MedGen C0795998, MONDO:0007400, OMIM 123150. Disease mechanism: loss of function.
Antley-Bixler syndrome without genital anomalies or disordered steroidogenesis (ABS2). Also called: MULTISYNOSTOTIC OSTEODYSGENESIS WITH LONG BONE FRACTURES; Antley-Bixler Syndrome, Autosomal Dominant; Trapezoidocephaly synostosis syndrome; Osteodysgenesis, multisynostotic with fractures. Identifiers: Orphanet 596008, Orphanet 83, MedGen C2936791, MONDO:0020667, OMIM 207410.
Acrocephalosyndactyly type I (ACS1). Also called: Apert syndrome; Acrocephalo-syndactyly type 1; ACS 1; Syndactylic oxycephaly. Identifiers: Orphanet 87, MedGen C0001193, MONDO:0007041, OMIM 101200.
Saethre-Chotzen syndrome (SCS). Also called: ACROCEPHALY, SKULL ASYMMETRY, AND MILD SYNDACTYLY; ACS III; CHOTZEN SYNDROME. Identifiers: Orphanet 794, MedGen C0175699, MONDO:0007042, OMIM 101400.

Submissions (2):

Labcorp Genetics (formerly Invitae), Labcorp
Classification: Uncertain significance for FGFR2-related craniosynostosis. Last evaluated: 2025-05-13. Review status: criteria provided, single submitter. Criteria: Invitae Variant Classification Sherloc (09022015). Collection method: clinical testing. Allele origin: germline.
Comment: This sequence change replaces threonine, which is neutral and polar, with isoleucine, which is neutral and non-polar, at codon 442 of the FGFR2 protein (p.Thr442Ile). This variant is not present in population databases (gnomAD no frequency). This variant has not been reported in the literature in individuals affected with FGFR2-related conditions. ClinVar contains an entry for this variant (Variation ID: 3590886). Invitae Evidence Modeling of protein sequence and biophysical properties (such as structural, functional, and spatial information, amino acid conservation, physicochemical variation, residue mobility, and thermodynamic stability) indicates that this missense variant is not expected to disrupt FGFR2 protein function with a negative predictive value of 80%. In summary, the available evidence is currently insufficient to determine the role of this variant in disease. Therefore, it has been classified as a Variant of Uncertain Significance.

Fulgent Genetics
Classification: Uncertain significance for Acrocephalosyndactyly type I; Saethre-Chotzen syndrome; Pfeiffer syndrome; Jackson-Weiss syndrome; Crouzon syndrome; Beare-Stevenson cutis gyrata syndrome; LADD syndrome 1; Antley-Bixler syndrome without genital anomalies or disordered steroidogenesis; Familial scaphocephaly syndrome, McGillivray type; Gastric cancer; Bent bone dysplasia syndrome 1. Last evaluated: 2024-04-01. Review status: criteria provided, single submitter. Criteria: ACMG Guidelines, 2015. Collection method: clinical testing. Allele origin: germline.